The following is an entry in ClinVar:

ClinVar aggregate classification (germline): Benign (0 of 4 stars; one submission).

Conditions:
GRB10-related disorder. Also called: GRB10-related condition.

Allele frequency attached by ClinVar (database versions not stated): ESP Exome Variant Server 0.06716; TOPMed 0.06823; 1000 Genomes Project 30x 0.07074; 1000 Genomes Project 0.07768; gnomAD 0.08278; ExAC 0.10401.
gnomAD v4.1: 162,079 of 1,613,976 alleles (10%); highest among the groups gnomAD compares: South Asian, 13%; 9,548 homozygotes.

Submission:

PreventionGenetics, part of Exact Sciences
Classification: Benign for GRB10-related condition. Last evaluated: 2019-10-22. Review status: no assertion criteria provided. Collection method: clinical testing. Allele origin: germline.
Comment: This variant is classified as benign based on ACMG/AMP sequence variant interpretation guidelines (Richards et al. 2015 PMID: 25741868, with internal and published modifications).

NM_001350814.2(GRB10):c.1647C>T (p.Asp549=)

Gene: GRB10 (growth factor receptor bound protein 10; minus strand). Cytogenetic location: 7p12.1.
Variant type: single nucleotide variant.
Coding change: c.1647C>T on transcript NM_001350814.2 (MANE Select); coding-DNA position 1647, C replaced by T.
Protein change: p.Asp549=; no amino-acid change (aspartic acid 549 retained).
Molecular consequence: synonymous variant.
Genome position (GRCh38, 1-based): chr7:50,593,090, G>A on the plus strand (C>T on the coding strand, the complement: GRB10 is on the minus strand). VCF-style: chr7-50593090-G-A. GRCh37 (hg19) VCF-style: chr7-50660787-G-A.
Other names: c.1509C>T, p.Asp503= (NM_001001549.3); c.1473C>T, p.Asp491= (NM_001001550.3, NM_001001555.3, NM_001350816.3 and 1 more transcripts); c.1761C>T, p.Asp587= (NM_001350815.2); c.1794C>T, p.Asp598= (NM_001371009.1).
Identifiers: ClinVar variation 3060352 (VCV003060352.2), dbSNP rs3807550, ClinGen allele CA4262560.